The following is an entry in ClinVar:

NM_012154.5(AGO2):c.227A>G (p.Glu76Gly)

Gene: AGO2 (argonaute RISC catalytic component 2; minus strand). Cytogenetic location: 8q24.3.
Variant type: single nucleotide variant.
Coding change: c.227A>G on transcript NM_012154.5 (MANE Select); coding-DNA position 227, A replaced by G.
Protein change: p.Glu76Gly; replaces glutamic acid 76 with glycine.
Molecular consequence: missense variant.
Genome position (GRCh38, 1-based): chr8:140,572,921, T>C on the plus strand (A>G on the coding strand, the complement: AGO2 is on the minus strand). VCF-style: chr8-140572921-T-C. GRCh37 (hg19) VCF-style: chr8-141583020-T-C.
Other names: c.227A>G, p.Glu76Gly (NM_001164623.3); short protein forms E76G.
Identifiers: ClinVar variation 3726076 (VCV003726076.2).

ClinVar aggregate classification (germline): Uncertain significance (1 of 4 stars; one submission).

Submission:

Labcorp Genetics (formerly Invitae), Labcorp
Classification: Uncertain significance. Last evaluated: 2024-11-25. Review status: criteria provided, single submitter. Criteria: Invitae Variant Classification Sherloc (09022015). Collection method: clinical testing. Allele origin: germline.
Comment: This sequence change replaces glutamic acid, which is acidic and polar, with glycine, which is neutral and non-polar, at codon 76 of the AGO2 protein (p.Glu76Gly). This variant is not present in population databases (gnomAD no frequency). This variant has not been reported in the literature in individuals affected with AGO2-related conditions. Experimental studies and prediction algorithms are not available or were not evaluated, and the functional significance of this variant is currently unknown. In summary, the available evidence is currently insufficient to determine the role of this variant in disease. Therefore, it has been classified as a Variant of Uncertain Significance.